The following is an entry in ClinVar:

ClinVar aggregate classification (germline): Likely pathogenic. Review status: criteria provided, multiple submitters, no conflicts (2 of 4 stars). 2 submissions from 2 submitters: Likely pathogenic (2). Last evaluated 2025-06-29.

Conditions:
Osteogenesis imperfecta type 8 (OI8). Identifiers: MedGen C1970458, MONDO:0012581, OMIM 610915.

Submissions (2):

Labcorp Genetics (formerly Invitae), Labcorp
Classification: Likely pathogenic for Osteogenesis imperfecta type 8. Last evaluated: 2025-06-29. Review status: criteria provided, single submitter. Criteria: Invitae Variant Classification Sherloc (09022015). Collection method: clinical testing. Allele origin: germline.
Comment: This sequence change affects a donor splice site in intron 1 of the P3H1 gene. It is expected to disrupt RNA splicing. Variants that disrupt the donor or acceptor splice site typically lead to a loss of protein function (PMID: 16199547), and loss-of-function variants in P3H1 are known to be pathogenic (PMID: 17277775, 18566967, 19088120, 22281939). This variant is not present in population databases (gnomAD no frequency). This variant has not been reported in the literature in individuals affected with P3H1-related conditions. ClinVar contains an entry for this variant (Variation ID: 3584160). Algorithms developed to predict the effect of sequence changes on RNA splicing suggest that this variant may disrupt the consensus splice site. In summary, the currently available evidence indicates that the variant is pathogenic, but additional data are needed to prove that conclusively. Therefore, this variant has been classified as Likely Pathogenic.

Fulgent Genetics
Classification: Likely pathogenic for Osteogenesis imperfecta type 8. Last evaluated: 2024-02-29. Review status: criteria provided, single submitter. Criteria: ACMG Guidelines, 2015. Collection method: clinical testing. Allele origin: germline.

Literature cited by the submitters: PubMed 16199547 (cited by Labcorp Genetics (formerly Invitae), Labcorp); PubMed 17277775 (cited by Labcorp Genetics (formerly Invitae), Labcorp); PubMed 18566967 (cited by Labcorp Genetics (formerly Invitae), Labcorp); PubMed 19088120 (cited by Labcorp Genetics (formerly Invitae), Labcorp); PubMed 22281939 (cited by Labcorp Genetics (formerly Invitae), Labcorp).

NM_022356.4(P3H1):c.465+2T>G

Gene: P3H1 (prolyl 3-hydroxylase 1; minus strand). Cytogenetic location: 1p34.2.
Variant type: single nucleotide variant.
Coding change: c.465+2T>G on transcript NM_022356.4 (MANE Select); the canonical splice donor site of the intron after coding-DNA position 465, T replaced by G.
Molecular consequence: splice donor variant.
Genome position (GRCh38, 1-based): chr1:42,766,505, A>C on the plus strand (T>G on the coding strand, the complement: P3H1 is on the minus strand). VCF-style: chr1-42766505-A-C. GRCh37 (hg19) VCF-style: chr1-43232176-A-C.
Other names: c.465+2T>G (NM_001146289.2, NM_001243246.2).
Identifiers: ClinVar variation 3584160 (VCV003584160.2).